The following is an entry in ClinVar:

NM_001378969.1(KCND3):c.1411C>T (p.Leu471Phe)

Gene: KCND3 (potassium voltage-gated channel subfamily D member 3; minus strand). Cytogenetic location: 1p13.2.
Variant type: single nucleotide variant.
Coding change: c.1411C>T on transcript NM_001378969.1 (MANE Select); coding-DNA position 1411, C replaced by T.
Protein change: p.Leu471Phe; replaces leucine 471 with phenylalanine.
Molecular consequence: missense variant.
Genome position (GRCh38, 1-based): chr1:111,780,275, G>A on the plus strand (C>T on the coding strand, the complement: KCND3 is on the minus strand). VCF-style: chr1-111780275-G-A. GRCh37 (hg19) VCF-style: chr1-112322897-G-A.
Other names: c.1411C>T, p.Leu471Phe (NM_001378970.1, NM_004980.5, NM_172198.3); short protein forms L471F.
Identifiers: ClinVar variation 423997 (VCV000423997.3), dbSNP rs1064796735, ClinGen allele CA16616956.

ClinVar aggregate classification (germline): Uncertain significance. Review status: criteria provided, multiple submitters, no conflicts (2 of 4 stars). 2 submissions from 2 submitters: Uncertain significance (2). Last evaluated 2018-10-11.

Allele frequency attached by ClinVar (database versions not stated): gnomAD exomes below 0.00001.
gnomAD v4.1: 2 of 1,586,644 alleles (0.00013%); highest among the groups gnomAD compares: South Asian, 0.0012%; no homozygotes.

Submissions (2):

Athena Diagnostics
Classification: Uncertain significance. Last evaluated: 2018-10-11. Review status: criteria provided, single submitter. Criteria: Athena Diagnostics Criteria. Collection method: clinical testing. Allele origin: germline.

GeneDx
Classification: Uncertain significance. Last evaluated: 2017-03-02. Review status: criteria provided, single submitter. Criteria: GeneDx Variant Classification (06012015). Collection method: clinical testing. Allele origin: germline. Affected: yes.
Comment: A variant of uncertain significance has been identified in the KCND3 gene. The L471F variant has not been published as pathogenic or been reported as benign to our knowledge. This variant is not observed in large population cohorts (Lek et al., 2016; 1000 Genomes Consortium et al., 2015; Exome Variant Server). This substitution occurs at a position that is conserved across species. In silico analysis suggests that this variant is probably damaging to the protein structure/function. However, the L471F variant is a conservative amino acid substitution, which is not likely to impact secondary protein structure as these residues share similar properties.